The following is an entry in ClinVar:

ClinVar aggregate classification (germline): Uncertain significance. Review status: criteria provided, multiple submitters, no conflicts (2 of 4 stars). 3 submissions from 3 submitters: Uncertain significance (3). Last evaluated 2025-05-21.

Conditions:
Hereditary nonpolyposis colorectal neoplasms. Identifiers: MedGen C0009405, MeSH D003123.
Hereditary cancer-predisposing syndrome. Also called: Tumor predisposition; Hereditary Cancer Syndrome; Neoplastic Syndromes, Hereditary; Hereditary neoplastic syndrome. Identifiers: Orphanet 140162, MedGen C0027672, MeSH D009386, MONDO:0015356.

gnomAD v4.1: 1 of 1,614,186 alleles (0.000062%); highest among the groups gnomAD compares: Non-Finnish European, 0.000085%; no homozygotes.

Submissions (3):

Labcorp Genetics (formerly Invitae), Labcorp
Classification: Uncertain significance for Hereditary nonpolyposis colorectal neoplasms. Last evaluated: 2025-05-21. Review status: criteria provided, single submitter. Criteria: Invitae Variant Classification Sherloc (09022015). Collection method: clinical testing. Allele origin: germline.
Comment: This sequence change replaces histidine, which is basic and polar, with arginine, which is basic and polar, at codon 382 of the MSH6 protein (p.His382Arg). This variant is not present in population databases (gnomAD no frequency). This variant has not been reported in the literature in individuals affected with MSH6-related conditions. ClinVar contains an entry for this variant (Variation ID: 822247). Invitae Evidence Modeling of protein sequence and biophysical properties (such as structural, functional, and spatial information, amino acid conservation, physicochemical variation, residue mobility, and thermodynamic stability) indicates that this missense variant is not expected to disrupt MSH6 protein function with a negative predictive value of 95%. In summary, the available evidence is currently insufficient to determine the role of this variant in disease. Therefore, it has been classified as a Variant of Uncertain Significance.

Ambry Genetics
Classification: Uncertain significance for Hereditary cancer-predisposing syndrome. Last evaluated: 2024-12-17. Review status: criteria provided, single submitter. Criteria: Ambry Variant Classification Scheme 2023. Collection method: clinical testing. Allele origin: germline.
Comment: The p.H382R variant (also known as c.1145A>G), located in coding exon 4 of the MSH6 gene, results from an A to G substitution at nucleotide position 1145. The histidine at codon 382 is replaced by arginine, an amino acid with highly similar properties. This amino acid position is not well conserved in available vertebrate species. In addition, this alteration is predicted to be tolerated by in silico analysis. Since supporting evidence is limited at this time, the clinical significance of this alteration remains unclear.

Sema4
Classification: Uncertain significance for Hereditary cancer-predisposing syndrome. Last evaluated: 2022-01-20. Review status: criteria provided, single submitter. Criteria: Sema4 Curation Guidelines. Collection method: curation. Allele origin: germline.
Comment: The MSH6 c.1145A>G (p.H382R) variant has not been reported in literature to our knowledge. This variant was not observed in the large and broad cohorts of the Genome Aggregation Database (PMID: 32461654). This variant has been reported in ClinVar (Variation ID: 822247). Functional studies have not been performed, and in silico predictions of the variant's effect on protein function are inconclusive. The evidence is insufficient to meet ACMG/AMP criteria for classifying the variant as benign or pathogenic. Thus, the clinical significance of this variant is currently uncertain.

NM_000179.3(MSH6):c.1145A>G (p.His382Arg)

Gene: MSH6 (mutS homolog 6; plus strand). Cytogenetic location: 2p16.3.
Variant type: single nucleotide variant.
Coding change: c.1145A>G on transcript NM_000179.3 (MANE Select); coding-DNA position 1145, A replaced by G.
Protein change: p.His382Arg; replaces histidine 382 with arginine.
Molecular consequence: missense variant.
Genome position (GRCh38, 1-based): chr2:47,799,128, A>G. VCF-style: chr2-47799128-A-G. GRCh37 (hg19) VCF-style: chr2-48026267-A-G.
Other names: c.755A>G, p.His252Arg (NM_001281492.2); c.239A>G, p.His80Arg (NM_001281493.2, NM_001281494.2); short protein forms H80R, H252R, H382R.
Identifiers: ClinVar variation 822247 (VCV000822247.16), dbSNP rs1558660701, ClinGen allele CA346742171.
Genomic context (GRCh38, chr2:47,799,128, plus strand): 5'-CTACTGTTTGGTATCATGAAACTTTAGAATGGCTTAAGGAGGAAAAGAGAAGAGATGAGC[A>G]CAGGAGGAGGCCTGATCACCCCGATTTTGATGCATCTACACTCTATGTGCCTGAGGATTT-3'
Protein context (NP_000170.1, residues 372-392): WLKEEKRRDE[His382Arg]RRRPDHPDFD